The following is an entry in ClinVar:

ClinVar aggregate classification (germline): Benign. Review status: criteria provided, multiple submitters, no conflicts (2 of 4 stars). 2 submissions from 2 submitters: Benign (2). Last evaluated 2023-06-01.

Conditions:
Keratosis follicularis (DAR). Also called: Darier disease; Darier's disease. Identifiers: Orphanet 218, MedGen C0022595, MONDO:0007417, OMIM 124200.

Allele frequency attached by ClinVar (database versions not stated): gnomAD 0.00790 and 0.00774; TOPMed 0.00872; 1000 Genomes Project 30x 0.00344; 1000 Genomes Project 0.00359; gnomAD exomes 0.00575.
gnomAD v4.1: 1,207 of 152,510 alleles (0.79%); highest among the groups gnomAD compares: Middle Eastern, 1.7%; 6 homozygotes.

Submissions (2):

CeGaT Center for Human Genetics Tuebingen
Classification: Benign. Last evaluated: 2023-06-01. Review status: criteria provided, single submitter. Criteria: CeGaT Center For Human Genetics Tuebingen Variant Classification Criteria Version 2. Collection method: clinical testing. Allele origin: germline. Affected: yes. Observed: 3 variant alleles.
Comment: ATP2A2: BS1, BS2

Illumina Laboratory Services, Illumina
Classification: Benign for Keratosis follicularis. Last evaluated: 2018-01-13. Review status: criteria provided, single submitter. Criteria: ICSL Variant Classification Criteria 13 December 2019. Collection method: clinical testing. Allele origin: germline.
Comment: This variant was observed in the ICSL laboratory as part of a predisposition screen in an ostensibly healthy population. It had not been previously curated by ICSL or reported in the Human Gene Mutation Database (HGMD: prior to June 1st, 2018), and was therefore a candidate for classification through an automated scoring system. Utilizing variant allele frequency, disease prevalence and penetrance estimates, and inheritance mode, an automated score was calculated to assess if this variant is too frequent to cause the disease. Based on the score and internal cut-off values, a variant classified as benign is not then subjected to further curation. The score for this variant resulted in a classification of benign for this disease.

NM_170665.4(ATP2A2):c.*4580C>T

Gene: ATP2A2 (ATPase sarcoplasmic/endoplasmic reticulum Ca2+ transporting 2; plus strand). Cytogenetic location: 12q24.11.
Variant type: single nucleotide variant.
Coding change: c.*4580C>T on transcript NM_170665.4 (MANE Select); 4580 bases downstream of the stop codon, C replaced by T.
Molecular consequence: 3 prime UTR variant.
Genome position (GRCh38, 1-based): chr12:110,351,050, C>T. VCF-style: chr12-110351050-C-T. GRCh37 (hg19) VCF-style: chr12-110788855-C-T.
Other names: c.*745C>T (NM_001681.4).
Identifiers: ClinVar variation 307197 (VCV000307197.29), dbSNP rs9540, ClinGen allele CA10636509.